The following is an entry in ClinVar:

NM_005629.4(SLC6A8):c.644+5G>A

Gene: SLC6A8 (solute carrier family 6 member 8; plus strand). Cytogenetic location: Xq28.
Variant type: single nucleotide variant.
Coding change: c.644+5G>A on transcript NM_005629.4 (MANE Select); 5 bases into the intron after coding-DNA position 644, G replaced by A.
Molecular consequence: intron variant.
Genome position (GRCh38, 1-based): chrX:153,691,558, G>A. VCF-style: chrX-153691558-G-A. GRCh37 (hg19) VCF-style: chrX-152957013-G-A.
Other names: NM_001142805.2:c.644+5G>A; c.644+5G>A (NM_001142805.2); c.299+5G>A (NM_001142806.1).
Identifiers: ClinVar variation 3066447 (VCV003066447.2), dbSNP rs2522156693, ClinGen allele CA2695201729.

ClinVar aggregate classification (germline): Uncertain significance. Review status: reviewed by expert panel (3 of 4 stars). 2 submissions from 2 submitters: Uncertain significance (1). 1 of the submissions does not count toward it. Last evaluated 2024-03-25.

Conditions:
Creatine transporter deficiency (CCDS1). Also called: CEREBRAL CREATINE DEFICIENCY SYNDROME 1; Mental retardation , X-linked with seizures, short stature and midface hypoplasia; Mental retardation , X-linked, with creatine transport deficiency; X-linked creatine transporter deficiency; X-linked creatine deficiency syndrome; Creatine Transporter (CRTR) Deficiency. Identifiers: Orphanet 52503, MedGen C1845862, MONDO:0010305, OMIM 300352.
SLC6A8-related disorder. Also called: SLC6A8-related condition.

Submissions (2):

ClinGen Cerebral Creatine Deficiency Syndromes Variant Curation Expert Panel, ClinGen
Classification: Uncertain significance for Creatine transporter deficiency. Last evaluated: 2024-03-25. Review status: reviewed by expert panel. Criteria: ClinGen_CCDS_ACMG_Specifications_SLC6A8_v1.1. Collection method: curation. Allele origin: germline. Inheritance: X-linked inheritance.
Comment: The NM_005629.4:c.644+5G>A variant in SLC6A8 is an intronic variant affecting a nucleotide within the donor consensus splice site region of intron 4. The computational predictor SpliceAI predicts that this variant impacts splicing; the score for loss of the donor splice site of intron 4 is 0.98; there is also a predicted gain of a donor site a further 37 base pairs downstream in intron 4 (score = 0.54) (PP3). The variant is absent in gnomAD v2.1.1. (PM2_Supporting). In summary, this variant meets criteria to be classified as a variant of uncertain significance for creatine transporter deficiency. ACMG/AMP SLC6A8-specific criteria applied, as specified by the ClinGen CCDS VCEP (Specifications Version 1.1.0): PM2_Supporting, PP3, PP4. (Classification approved by the ClinGen CCDS VCEP on March 25, 2024)

Blueprint Genetics
Classification: Likely pathogenic for SLC6A8-related disorders. Last evaluated: 2024-08-06. Review status: criteria provided, single submitter. Criteria: ACMG Guidelines, 2015. Collection method: clinical testing. Allele origin: germline. Affected: yes. Observed: 1 variant allele. Not counted in ClinVar's aggregate classification.